The following is an entry in ClinVar:

NM_006363.6(SEC23B):c.1588C>T (p.Arg530Trp)

Gene: SEC23B (SEC23 homolog B, COPII component; plus strand). Cytogenetic location: 20p11.23.
Variant type: single nucleotide variant.
Coding change: c.1588C>T on transcript NM_006363.6 (MANE Select); coding-DNA position 1588, C replaced by T.
Protein change: p.Arg530Trp; replaces arginine 530 with tryptophan.
Molecular consequence: missense variant.
Genome position (GRCh38, 1-based): chr20:18,543,095, C>T. VCF-style: chr20-18543095-C-T. GRCh37 (hg19) VCF-style: chr20-18523739-C-T.
Other names: c.1588C>T (NM_006363.4, NM_001172745.2); c.1588C>T, p.Arg530Trp (NM_001172745.3, NM_032985.6, NM_032986.5); c.1534C>T, p.Arg512Trp (NM_001172746.3); short protein forms R530W, R512W.
Identifiers: ClinVar variation 1224 (VCV000001224.10), dbSNP rs121918223, ClinGen allele CA114849.

ClinVar aggregate classification (germline): Conflicting classifications of pathogenicity. Review status: criteria provided, conflicting classifications (1 of 4 stars). 5 submissions from 5 submitters: Pathogenic (1); Likely pathogenic (2); Uncertain significance (1). 1 of the submissions does not count toward it. Last evaluated 2026-03-01.

Conditions:
Cowden syndrome 7 (CWS7). Identifiers: Orphanet 201, MedGen C4225179, MONDO:0014802, OMIM 616858.
Congenital dyserythropoietic anemia, type II (CDAN2). Also called: DYSERYTHROPOIETIC ANEMIA, HEMPAS TYPE. Identifiers: Orphanet 98873, MedGen C1306589, MONDO:0009134, OMIM 224100.

Allele frequency attached by ClinVar (database versions not stated): ExAC 0.00001; gnomAD 0.00001; gnomAD exomes 0.00001 and 0.00002; TOPMed 0.00001.
gnomAD v4.1: 10 of 1,614,018 alleles (0.00062%); highest among the groups gnomAD compares: African/African-American, 0.0027%; no homozygotes.

Submissions (5):

CeGaT Center for Human Genetics Tuebingen
Classification: Likely pathogenic. Last evaluated: 2026-03-01. Review status: criteria provided, single submitter. Criteria: CeGaT Center For Human Genetics Tuebingen Variant Classification Criteria Version 2. Collection method: clinical testing. Allele origin: germline. Affected: yes. Observed: 1 variant allele.
Comment: SEC23B: PM2, PM5, PM3:Supporting, PP3

Labcorp Genetics (formerly Invitae), Labcorp
Classification: Pathogenic for Congenital dyserythropoietic anemia, type II; Cowden syndrome 7. Last evaluated: 2023-11-05. Review status: criteria provided, single submitter. Criteria: Invitae Variant Classification Sherloc (09022015). Collection method: clinical testing. Allele origin: germline.
Comment: This sequence change replaces arginine, which is basic and polar, with tryptophan, which is neutral and slightly polar, at codon 530 of the SEC23B protein (p.Arg530Trp). This variant is present in population databases (rs121918223, gnomAD 0.004%). This missense change has been observed in individuals with dyserythropoietic anemia type 2 (PMID: 19561605, 24724984). ClinVar contains an entry for this variant (Variation ID: 1224). Advanced modeling of protein sequence and biophysical properties (such as structural, functional, and spatial information, amino acid conservation, physicochemical variation, residue mobility, and thermodynamic stability) performed at Invitae indicates that this missense variant is expected to disrupt SEC23B protein function with a positive predictive value of 95%. Experimental studies have shown that this missense change affects SEC23B function (PMID: 19561605). Algorithms developed to predict the effect of sequence changes on RNA splicing suggest that this variant may disrupt the consensus splice site. This variant disrupts the p.Arg530 amino acid residue in SEC23B. Other variant(s) that disrupt this residue have been observed in individuals with SEC23B-related conditions (PMID: 19561605, 20015893, 22208203, 24724984), which suggests that this may be a clinically significant amino acid residue. For these reasons, this variant has been classified as Pathogenic.

Women's Health and Genetics/Laboratory Corporation of America, LabCorp
Classification: Likely pathogenic for Congenital dyserythropoietic anemia, type II. Last evaluated: 2023-08-11. Review status: criteria provided, single submitter. Criteria: LabCorp Variant Classification Summary - May 2015. Collection method: clinical testing. Allele origin: germline.
Comment: Variant summary: SEC23B c.1588C>T (p.Arg530Trp) results in a non-conservative amino acid change located in the Sec23/Sec24, helical domain (IPR006900) of the encoded protein sequence. This alters a highly conserved residue in which another missense variant p.Arg530Gln) has been found in association with disease (HGMD). Five of five in-silico tools predict a damaging effect of the variant on protein function. The variant allele was found at a frequency of 1.6e-05 in 251468 control chromosomes (gnomAD). c.1588C>T has been reported in the literature in individuals affected with Congenital dyserythropoietic anemia, type II who were reported as compound heterozygous with other pathogenic variants (Schwarz_2009, Unal_2014). These data indicate that the variant is likely to be associated with disease. To our knowledge, no experimental evidence demonstrating an impact on protein function has been reported. The following publications have been ascertained in the context of this evaluation (PMID: 19561605, 24724984). No submitters have cited clinical-significance assessments for this variant to ClinVar after 2014. Based on the evidence outlined above, the variant was classified as likely pathogenic.

Mayo Clinic Laboratories, Mayo Clinic
Classification: Uncertain significance. Last evaluated: 2022-08-09. Review status: criteria provided, single submitter. Criteria: ACMG Guidelines, 2015. Collection method: clinical testing. Allele origin: germline. Observed: 1 variant allele.
Comment: PP3, PM2, PM3

OMIM
Classification: Pathogenic for ANEMIA, CONGENITAL DYSERYTHROPOIETIC, TYPE II. Last evaluated: 2009-08-01. Review status: no assertion criteria provided. Collection method: literature only. Allele origin: germline. Not counted in ClinVar's aggregate classification.

Literature cited by the submitters: PubMed 19561605 (cited by 4 submitters); PubMed 24724984 (cited by 3 submitters); PubMed 20015893 (cited by Labcorp Genetics (formerly Invitae), Labcorp); PubMed 22208203 (cited by Labcorp Genetics (formerly Invitae), Labcorp).